The following is an entry in ClinVar:

NM_015080.4(NRXN2):c.1238A>G (p.Tyr413Cys)

Gene: NRXN2 (neurexin 2; minus strand). Cytogenetic location: 11q13.1.
Variant type: single nucleotide variant.
Coding change: c.1238A>G on transcript NM_015080.4 (MANE Select); coding-DNA position 1238, A replaced by G.
Protein change: p.Tyr413Cys; replaces tyrosine 413 with cysteine.
Molecular consequence: missense variant.
Genome position (GRCh38, 1-based): chr11:64,668,564, T>C on the plus strand (A>G on the coding strand, the complement: NRXN2 is on the minus strand). VCF-style: chr11-64668564-T-C. GRCh37 (hg19) VCF-style: chr11-64436036-T-C.
Other names: c.1238A>G, p.Tyr413Cys (NM_001376262.1); c.1217A>G, p.Tyr406Cys (NM_001376263.1, NM_001376267.1); c.1193A>G, p.Tyr398Cys (NM_001376265.1); c.1214A>G, p.Tyr405Cys (NM_001376266.1); c.1145A>G, p.Tyr382Cys (NM_138732.3); short protein forms Y382C, Y398C, Y405C, Y406C, Y413C.
Identifiers: ClinVar variation 3349548 (VCV003349548.1).
Genomic context (GRCh38, chr11:64,668,564, plus strand): 5'-GGGCTGCCCCCAATGTAGAAGAAGTCATCAGAGCCCAGCATGGTGTAATCCTCCTGCGTG[T>C]AGCCTGTGGTGGTCAGGATCCCGTCCACCGAGATGGTCACCTGTCCAGCCCAGGAGGGAG-3'
Protein context (NP_055895.1, residues 403-423): SVDGILTTTG[Tyr413Cys]TQEDYTMLGS

ClinVar aggregate classification (germline): Uncertain significance (0 of 4 stars; one submission).

Conditions:
NRXN2-related disorder. Also called: NRXN2-related condition.

Submission:

PreventionGenetics, part of Exact Sciences
Classification: Uncertain significance for NRXN2-related condition. Last evaluated: 2024-03-05. Review status: no assertion criteria provided. Collection method: clinical testing. Allele origin: germline.
Comment: The NRXN2 c.1238A>G variant is predicted to result in the amino acid substitution p.Tyr413Cys. To our knowledge, this variant has not been reported in the literature or in a large population database, indicating this variant is rare. At this time, the clinical significance of this variant is uncertain due to the absence of conclusive functional and genetic evidence.